The following is an entry in ClinVar:

ClinVar aggregate classification (germline): Uncertain significance (1 of 4 stars; one submission).

Allele frequency attached by ClinVar (database versions not stated): gnomAD 0.00003 and 0.00004; TOPMed 0.00003; gnomAD exomes 0.00005 and 0.00006; ExAC 0.00007.
gnomAD v4.1: 81 of 1,614,078 alleles (0.005%); highest among the groups gnomAD compares: East Asian, 0.096%; no homozygotes.

Submission:

Labcorp Genetics (formerly Invitae), Labcorp
Classification: Uncertain significance. Last evaluated: 2021-08-27. Review status: criteria provided, single submitter. Criteria: Invitae Variant Classification Sherloc (09022015). Collection method: clinical testing. Allele origin: germline.
Comment: This sequence change replaces arginine with glutamine at codon 78 of the RSPRY1 protein (p.Arg78Gln). The arginine residue is highly conserved and there is a small physicochemical difference between arginine and glutamine. This variant is present in population databases (rs748673463, ExAC 0.01%). This variant has not been reported in the literature in individuals affected with RSPRY1-related conditions. Algorithms developed to predict the effect of missense changes on protein structure and function are either unavailable or do not agree on the potential impact of this missense change (SIFT: "Deleterious"; PolyPhen-2: "Benign"; Align-GVGD: "Class C35"). In summary, the available evidence is currently insufficient to determine the role of this variant in disease. Therefore, it has been classified as a Variant of Uncertain Significance.

NM_133368.3(RSPRY1):c.233G>A (p.Arg78Gln)

Gene: RSPRY1 (ring finger and SPRY domain containing 1; plus strand). Cytogenetic location: 16q13.
Variant type: single nucleotide variant.
Coding change: c.233G>A on transcript NM_133368.3 (MANE Select); coding-DNA position 233, G replaced by A.
Protein change: p.Arg78Gln; replaces arginine 78 with glutamine.
Molecular consequence: missense variant.
Genome position (GRCh38, 1-based): chr16:57,204,891, G>A. VCF-style: chr16-57204891-G-A. GRCh37 (hg19) VCF-style: chr16-57238803-G-A.
Other names: c.233G>A, p.Arg78Gln (NM_001305163.2, NM_001305164.2, NM_001305182.2); short protein forms R78Q.
Identifiers: ClinVar variation 1055394 (VCV001055394.6), dbSNP rs748673463, ClinGen allele CA8074404.